The following is an entry in ClinVar:

ClinVar aggregate classification (germline): Uncertain significance (1 of 4 stars; one submission).

Submission:

Labcorp Genetics (formerly Invitae), Labcorp
Classification: Uncertain significance. Last evaluated: 2023-10-05. Review status: criteria provided, single submitter. Criteria: Invitae Variant Classification Sherloc (09022015). Collection method: clinical testing. Allele origin: germline.
Comment: This sequence change replaces proline, which is neutral and non-polar, with leucine, which is neutral and non-polar, at codon 535 of the SAMD9 protein (p.Pro535Leu). This variant is not present in population databases (gnomAD no frequency). This variant has not been reported in the literature in individuals affected with SAMD9-related conditions. Advanced modeling of protein sequence and biophysical properties (such as structural, functional, and spatial information, amino acid conservation, physicochemical variation, residue mobility, and thermodynamic stability) performed at Invitae indicates that this missense variant is not expected to disrupt SAMD9 protein function. In summary, the available evidence is currently insufficient to determine the role of this variant in disease. Therefore, it has been classified as a Variant of Uncertain Significance.

NM_017654.4(SAMD9):c.1604C>T (p.Pro535Leu)

Gene: SAMD9 (sterile alpha motif domain containing 9; minus strand). Cytogenetic location: 7q21.2.
Variant type: single nucleotide variant.
Coding change: c.1604C>T on transcript NM_017654.4 (MANE Select); coding-DNA position 1604, C replaced by T.
Protein change: p.Pro535Leu; replaces proline 535 with leucine.
Molecular consequence: missense variant.
Genome position (GRCh38, 1-based): chr7:93,104,494, G>A on the plus strand (C>T on the coding strand, the complement: SAMD9 is on the minus strand). VCF-style: chr7-93104494-G-A. GRCh37 (hg19) VCF-style: chr7-92733807-G-A.
Other names: c.1604C>T, p.Pro535Leu (NM_001193307.2); short protein forms P535L.
Identifiers: ClinVar variation 2816900 (VCV002816900.3), dbSNP rs2535360261, ClinGen allele CA368195668.